The following is an entry in ClinVar:

NM_020911.2(PLXNA4):c.4504C>G (p.Leu1502Val)

Gene: PLXNA4 (plexin A4; minus strand). Cytogenetic location: 7q32.3.
Variant type: single nucleotide variant.
Coding change: c.4504C>G on transcript NM_020911.2 (MANE Select); coding-DNA position 4504, C replaced by G.
Protein change: p.Leu1502Val; replaces leucine 1502 with valine.
Molecular consequence: missense variant.
Genome position (GRCh38, 1-based): chr7:132,159,629, G>C on the plus strand (C>G on the coding strand, the complement: PLXNA4 is on the minus strand). VCF-style: chr7-132159629-G-C. GRCh37 (hg19) VCF-style: chr7-131844388-G-C.
Other names: c.4504C>G, p.Leu1502Val (NM_001393897.1); short protein forms L1502V.
Identifiers: ClinVar variation 3347156 (VCV003347156.1).
Genomic context (GRCh38, chr7:132,159,629, plus strand): 5'-AGTTGAGGATCTTTACTGGGACCTCGGGGCTGTTGGCATTGTCTGGGCTGACACAGCTCA[G>C]GACCTGAAGGAAAGGTGGGGAGAGGAAGCATATGAAATGGGGTAGCAGGAAAAGCTCCTA-3'
Protein context (NP_065962.1, residues 1492-1512): RQQIDYKTLV[Leu1502Val]SCVSPDNANS

ClinVar aggregate classification (germline): Uncertain significance (0 of 4 stars; one submission).

Conditions:
PLXNA4-related disorder. Also called: PLXNA4-related condition.

gnomAD v4.1: 1 of 1,614,010 alleles (0.000062%); highest among the groups gnomAD compares: Non-Finnish European, 0.000085%; no homozygotes.

Submission:

PreventionGenetics, part of Exact Sciences
Classification: Uncertain significance for PLXNA4-related condition. Last evaluated: 2024-05-08. Review status: no assertion criteria provided. Collection method: clinical testing. Allele origin: germline.
Comment: The PLXNA4 c.4504C>G variant is predicted to result in the amino acid substitution p.Leu1502Val. To our knowledge, this variant has not been reported in the literature or in a large population database, indicating this variant is rare. At this time, the clinical significance of this variant is uncertain due to the absence of conclusive functional and genetic evidence.